The following is an entry in ClinVar:

ClinVar aggregate classification (germline): Uncertain significance. Review status: criteria provided, multiple submitters, no conflicts (2 of 4 stars). 3 submissions from 3 submitters: Uncertain significance (2). 1 of the submissions does not count toward it. Last evaluated 2020-01-28.

Conditions:
Clinodactyly. Identifiers: MedGen C4551485, HP:0030084.
Hip contracture. Identifiers: MedGen C0409354, HP:0003273.
Knee flexion contracture. Identifiers: MedGen C0409355, HP:0006380.
Congenital contracture. Also called: Congenital contractures. Identifiers: MedGen C0332878, MONDO:0022823, HP:0002803.
Camptodactyly of 2nd-5th fingers. Identifiers: MedGen C1859368, HP:0001215.
Anterior creases of earlobe. Also called: Earlobe crease. Identifiers: MedGen C1851897, OMIM 128950, HP:0009908.
Severe myoclonic epilepsy in infancy (DRVT). Also called: SEVERE MYOCLONIC EPILEPSY OF INFANCY; DEVELOPMENTAL AND EPILEPTIC ENCEPHALOPATHY 6A; Severe Myoclonic Epilepsy in Infancy (SMEI); Dravet syndrome; Epileptic encephalopathy, early infantile, 6 (Dravet syndrome). Identifiers: Orphanet 33069, MedGen C0751122, MONDO:0100135, OMIM 607208.

Submissions (3):

Centre for Mendelian Genomics, University Medical Centre Ljubljana
Classification: Uncertain significance for Camptodactyly of 2nd-5th fingers; Congenital contracture; Hip contracture; Knee flexion contracture; Anterior creases of earlobe; Clinodactyly. Last evaluated: 2020-01-28. Review status: criteria provided, single submitter. Criteria: ACMG guidelines, Richards 2015. Collection method: clinical testing. Allele origin: germline. Affected: yes.
Comment: This variant was classified as: Pathogenic. The following ACMG criteria were applied in classifying this variant: PVS1,PM2,PM6. This variant was detected in heterozygous state.

GeneDx
Classification: Uncertain significance. Last evaluated: 2019-09-30. Review status: criteria provided, single submitter. Criteria: GeneDx Variant Classification Process June 2021. Collection method: clinical testing. Allele origin: germline. Affected: yes.
Comment: Not observed in large population cohorts (Lek et al., 2016); The majority of missense variants in this gene are considered pathogenic (Stenson et al., 2014); In silico analysis, which includes protein predictors and evolutionary conservation, supports a deleterious effect; Reported in published literature (Marini et al., 2007) in an individual with borderline severe myoclonic epilepsy of infancy (SMEB) who also had a family history of epilepsy; however, familial segregation studies were not described and only sequencing of SCN1A was performed; This variant is associated with the following publications: (PMID: 28150151, 20562086, 17561957)

UniProtKB/Swiss-Prot
No classification provided. Condition: Severe myoclonic epilepsy in infancy. Review status: no classification provided. Collection method: not provided. Allele origin: unknown. Not counted in ClinVar's aggregate classification.

NM_001165963.4(SCN1A):c.1066A>G (p.Arg356Gly)

Gene: SCN1A (sodium voltage-gated channel alpha subunit 1; minus strand). Cytogenetic location: 2q24.3.
Variant type: single nucleotide variant.
Coding change: c.1066A>G on transcript NM_001165963.4 (MANE Select); coding-DNA position 1066, A replaced by G.
Protein change: p.Arg356Gly; replaces arginine 356 with glycine.
Molecular consequence: missense variant. On other transcripts: 5 prime UTR variant (1), non-coding transcript variant (1).
Genome position (GRCh38, 1-based): chr2:166,047,731, T>C on the plus strand (A>G on the coding strand, the complement: SCN1A is on the minus strand). VCF-style: chr2-166047731-T-C. GRCh37 (hg19) VCF-style: chr2-166904241-T-C.
Other names: c.1066A>G, p.Arg356Gly (NM_001165964.3, NM_001202435.3, NM_001353948.2 and 10 more transcripts); c.-1360A>G (NM_001353961.2); short protein forms R356G.
Identifiers: ClinVar variation 68499 (VCV000068499.5), dbSNP rs121917920, ClinGen allele CA284853.
Genomic context (GRCh38, chr2:166,047,731, plus strand): 5'-ACAAGGACAAAAAAGCCCAACTGAAGGTATCAAAGCTTGTGTAGCCATAATTGGGATTTC[T>C]ACCAGCTTTCACACACATATATCCCTCTGGACATTGGCTGCAAGTGGGGTAAAAGAAAGT-3'
Protein context (NP_001159435.1, residues 346-366): PEGYMCVKAG[Arg356Gly]NPNYGYTSFD